The following is an entry in ClinVar:

ClinVar aggregate classification (germline): Uncertain significance (1 of 4 stars; one submission).

Conditions:
Dilated cardiomyopathy 2B. Identifiers: Orphanet 154, MedGen C3553409, MONDO:0013848, OMIM 614672.

Allele frequency attached by ClinVar (database versions not stated): gnomAD exomes below 0.00001; TOPMed below 0.00001; gnomAD 0.00001.
gnomAD v4.1: 2 of 1,610,314 alleles (0.00012%); highest among the groups gnomAD compares: Non-Finnish European, 0.00017%; no homozygotes.

Submission:

Labcorp Genetics (formerly Invitae), Labcorp
Classification: Uncertain significance for Dilated cardiomyopathy 2B. Last evaluated: 2020-03-07. Review status: criteria provided, single submitter. Criteria: Invitae Variant Classification Sherloc (09022015). Collection method: clinical testing. Allele origin: germline.
Comment: In summary, the available evidence is currently insufficient to determine the role of this variant in disease. Therefore, it has been classified as a Variant of Uncertain Significance. Algorithms developed to predict the effect of missense changes on protein structure and function (SIFT, PolyPhen-2, Align-GVGD) all suggest that this variant is likely to be disruptive, but these predictions have not been confirmed by published functional studies and their clinical significance is uncertain. This sequence change replaces tyrosine with cysteine at codon 100 of the GATAD1 protein (p.Tyr100Cys). The tyrosine residue is highly conserved and there is a large physicochemical difference between tyrosine and cysteine. This variant is not present in population databases (ExAC no frequency). This variant has not been reported in the literature in individuals with GATAD1-related conditions.

NM_021167.5(GATAD1):c.299A>G (p.Tyr100Cys)

Gene: GATAD1 (GATA zinc finger domain containing 1; plus strand). Cytogenetic location: 7q21.2.
Variant type: single nucleotide variant.
Coding change: c.299A>G on transcript NM_021167.5 (MANE Select); coding-DNA position 299, A replaced by G.
Protein change: p.Tyr100Cys; replaces tyrosine 100 with cysteine.
Molecular consequence: missense variant. On other transcripts: non-coding transcript variant (1).
Genome position (GRCh38, 1-based): chr7:92,448,801, A>G. VCF-style: chr7-92448801-A-G. GRCh37 (hg19) VCF-style: chr7-92078115-A-G.
Other names: short protein forms Y100C.
Identifiers: ClinVar variation 638934 (VCV000638934.8), dbSNP rs200072145, ClinGen allele CA161961289.